The following is an entry in ClinVar:

NM_020831.6(MRTFA):c.2913G>C (p.Glu971Asp)

Gene: MRTFA (myocardin related transcription factor A; minus strand). Cytogenetic location: 22q13.1.
Variant type: single nucleotide variant.
Coding change: c.2913G>C on transcript NM_020831.6 (MANE Select); coding-DNA position 2913, G replaced by C.
Protein change: p.Glu971Asp; replaces glutamic acid 971 with aspartic acid.
Molecular consequence: missense variant. On other transcripts: 3 prime UTR variant (1).
Genome position (GRCh38, 1-based): chr22:40,411,573, C>G on the plus strand (G>C on the coding strand, the complement: MRTFA is on the minus strand). VCF-style: chr22-40411573-C-G. GRCh37 (hg19) VCF-style: chr22-40807577-C-G.
Other names: c.2613G>C, p.Glu871Asp (NM_001282660.2); c.2763G>C, p.Glu921Asp (NM_001282661.3); c.*226G>C (NM_001282662.3); c.2718G>C, p.Glu906Asp (NM_001318139.2); short protein forms E871D, E906D, E921D, E971D.
Identifiers: ClinVar variation 1682919 (VCV001682919.6), dbSNP rs1356620653, ClinGen allele CA411651827.

ClinVar aggregate classification (germline): Uncertain significance (1 of 4 stars; one submission).

Allele frequency attached by ClinVar (database versions not stated): gnomAD exomes below 0.00001.
gnomAD v4.1: 2 of 1,613,862 alleles (0.00012%); highest among the groups gnomAD compares: Admixed American, 0.0017%; no homozygotes.

Submission:

Labcorp Genetics (formerly Invitae), Labcorp
Classification: Uncertain significance. Last evaluated: 2022-08-16. Review status: criteria provided, single submitter. Criteria: Invitae Variant Classification Sherloc (09022015). Collection method: clinical testing. Allele origin: germline.
Comment: This variant is present in population databases (no rsID available, gnomAD 0.003%). Algorithms developed to predict the effect of missense changes on protein structure and function are either unavailable or do not agree on the potential impact of this missense change (SIFT: "Tolerated"; PolyPhen-2: "Probably Damaging"; Align-GVGD: "Class C0"). ClinVar contains an entry for this variant (Variation ID: 1682919). This variant has not been reported in the literature in individuals affected with MKL1-related conditions. This sequence change replaces glutamic acid, which is acidic and polar, with aspartic acid, which is acidic and polar, at codon 871 of the MKL1 protein (p.Glu871Asp). In summary, the available evidence is currently insufficient to determine the role of this variant in disease. Therefore, it has been classified as a Variant of Uncertain Significance.